The following is an entry in ClinVar:

NM_000051.4(ATM):c.3987_3993+1del

Gene: ATM (ATM serine/threonine kinase; plus strand). Cytogenetic location: 11q22.3.
Variant type: Deletion.
Coding change: c.3987_3993+1del on transcript NM_000051.4 (MANE Select); coding-DNA position 3987 through the canonical splice donor site of the intron after coding-DNA position 3993, 8 bases deleted (AAAACAGG; older notation c.3987_3993+1delAAAACAGG).
Molecular consequence: splice donor variant.
Genome position (GRCh38, 1-based): chr11:108,284,467-108,284,474, AAAACAGG deleted; deleting any 8 consecutive bases within chr11:108,284,465-108,284,474 gives the same sequence; the c. name uses the placement nearest the transcript's 3' end. VCF-style (leftmost placement, unchanged base first): chr11-108284464-GGGAAAACA-G. GRCh37 (hg19) VCF-style: chr11-108155191-GGGAAAACA-G.
Other names: c.3987_3993+1del (NM_001351834.2).
Identifiers: ClinVar variation 1456106 (VCV001456106.8), dbSNP rs2135710049, ClinGen allele CA2573146692.

ClinVar aggregate classification (germline): Pathogenic (1 of 4 stars; one submission).

Conditions:
Ataxia-telangiectasia syndrome (AT). Also called: Ataxia-telangiectasia, complementation group E; LOUIS-BAR SYNDROME; Ataxia-telangiectasia, complementation group D; AT, COMPLEMENTATION GROUP C; Ataxia-telangiectasia; Cerebello-oculocutaneous telangiectasia. Identifiers: Orphanet 100, MedGen C0004135, MONDO:0008840, OMIM 208900.

Submission:

Labcorp Genetics (formerly Invitae), Labcorp
Classification: Pathogenic for Ataxia-telangiectasia syndrome. Last evaluated: 2022-08-23. Review status: criteria provided, single submitter. Criteria: Invitae Variant Classification Sherloc (09022015). Collection method: clinical testing. Allele origin: germline.
Comment: This sequence change creates a premature translational stop signal (Gly1329Aspfs*2) in the ATM gene. It is expected to result in an absent or disrupted protein product. Loss-of-function variants in ATM are known to be pathogenic (PMID: 23807571, 25614872). This variant is not present in population databases (gnomAD no frequency). This variant has not been reported in the literature in individuals affected with ATM-related conditions. This variant is also known as c.3987_3993+1del. ClinVar contains an entry for this variant (Variation ID: 1456106). Algorithms developed to predict the effect of sequence changes on RNA splicing suggest that this variant may create or strengthen a splice site. For these reasons, this variant has been classified as Pathogenic.

Literature cited by the submitters: PubMed 23807571; PubMed 25614872.